The following is an entry in ClinVar:

NM_022042.4(SLC26A1):c.1520G>A (p.Arg507His)

Genes: IDUA (alpha-L-iduronidase; plus strand), SLC26A1 (solute carrier family 26 member 1; minus strand). Cytogenetic location: 4p16.3.
Variant type: single nucleotide variant.
Coding change: c.1520G>A on transcript NM_022042.4 (MANE Select); coding-DNA position 1520, G replaced by A.
Protein change: p.Arg507His; replaces arginine 507 with histidine.
Molecular consequence: missense variant. On other transcripts: intron variant (2).
Genome position (GRCh38, 1-based): chr4:989,419, C>T on the plus strand (G>A on the coding strand, the complement: SLC26A1 is on the minus strand). VCF-style: chr4-989419-C-T. GRCh37 (hg19) VCF-style: chr4-983207-C-T.
Other names: c.1520G>A, p.Arg507His (NM_213613.4); c.576+1709G>A (NM_134425.4); c.299+1470C>T (NM_000203.5); short protein forms R507H.
Identifiers: ClinVar variation 1407651 (VCV001407651.9), dbSNP rs375487522, ClinGen allele CA2801361.

ClinVar aggregate classification (germline): Uncertain significance. Review status: criteria provided, multiple submitters, no conflicts (2 of 4 stars). 2 submissions from 2 submitters: Uncertain significance (2). Last evaluated 2021-12-29.

Conditions:
Nephrolithiasis, calcium oxalate. Also called: Calcium oxalate urolithiasis. Identifiers: MedGen C1833683, MONDO:0957318, HP:0008672.

Allele frequency attached by ClinVar (database versions not stated): gnomAD exomes 0.00006 and 0.00013; ESP Exome Variant Server 0.00008; ExAC 0.00011; gnomAD 0.00011; TOPMed 0.00011; 1000 Genomes Project 30x 0.00016; 1000 Genomes Project 0.00020.
gnomAD v4.1: 195 of 1,556,874 alleles (0.013%); highest among the groups gnomAD compares: East Asian, 0.024%; 1 homozygote.

Submissions (2):

Fulgent Genetics
Classification: Uncertain significance for Nephrolithiasis susceptibility caused by SLC26A1. Last evaluated: 2021-12-29. Review status: criteria provided, single submitter. Criteria: ACMG Guidelines, 2015. Collection method: clinical testing. Allele origin: unknown.

Labcorp Genetics (formerly Invitae), Labcorp
Classification: Uncertain significance. Last evaluated: 2021-02-19. Review status: criteria provided, single submitter. Criteria: Invitae Variant Classification Sherloc (09022015). Collection method: clinical testing. Allele origin: germline.
Comment: This sequence change replaces arginine with histidine at codon 507 of the SLC26A1 protein (p.Arg507His). The arginine residue is moderately conserved and there is a small physicochemical difference between arginine and histidine. In summary, the available evidence is currently insufficient to determine the role of this variant in disease. Therefore, it has been classified as a Variant of Uncertain Significance. Algorithms developed to predict the effect of missense changes on protein structure and function output the following: SIFT: "Tolerated"; PolyPhen-2: "Benign"; Align-GVGD: "Class C0". The histidine amino acid residue is found in multiple mammalian species, suggesting that this missense change does not adversely affect protein function. These predictions have not been confirmed by published functional studies and their clinical significance is uncertain. This variant has not been reported in the literature in individuals with SLC26A1-related conditions. This variant is present in population databases (rs375487522, ExAC 0.2%).